The following is an entry in ClinVar:

ClinVar aggregate classification (germline): Uncertain significance (1 of 4 stars; one submission).

Conditions:
Polyhydramnios, megalencephaly, and symptomatic epilepsy (PMSE). Also called: PMSE SYNDROME. Identifiers: Orphanet 500533, MedGen C1970203, MONDO:0012611, OMIM 611087.

Allele frequency attached by ClinVar (database versions not stated): ExAC 0.00001; gnomAD exomes 0.00001; TOPMed 0.00002; gnomAD 0.00003.
gnomAD v4.1: 16 of 1,613,978 alleles (0.00099%); highest among the groups gnomAD compares: East Asian, 0.0045%; no homozygotes.

Submission:

Labcorp Genetics (formerly Invitae), Labcorp
Classification: Uncertain significance for Polyhydramnios, megalencephaly, and symptomatic epilepsy. Last evaluated: 2025-12-15. Review status: criteria provided, single submitter. Criteria: Invitae Variant Classification Sherloc (09022015). Collection method: clinical testing. Allele origin: germline.
Comment: This sequence change replaces valine, which is neutral and non-polar, with methionine, which is neutral and non-polar, at codon 131 of the STRADA protein (p.Val131Met). This variant is present in population databases (rs756995943, gnomAD 0.002%). This variant has not been reported in the literature in individuals affected with STRADA-related conditions. ClinVar contains an entry for this variant (Variation ID: 650800). An algorithm developed to predict the effect of missense changes on protein structure and function (PolyPhen-2) suggests that this variant is likely to be tolerated. In summary, the available evidence is currently insufficient to determine the role of this variant in disease. Therefore, it has been classified as a Variant of Uncertain Significance.

NM_001003787.4(STRADA):c.391G>A (p.Val131Met)

Gene: STRADA (STE20 related adaptor alpha; minus strand). Cytogenetic location: 17q23.3.
Variant type: single nucleotide variant.
Coding change: c.391G>A on transcript NM_001003787.4 (MANE Select); coding-DNA position 391, G replaced by A.
Protein change: p.Val131Met; replaces valine 131 with methionine.
Molecular consequence: missense variant. On other transcripts: non-coding transcript variant (1).
Genome position (GRCh38, 1-based): chr17:63,710,794, C>T on the plus strand (G>A on the coding strand, the complement: STRADA is on the minus strand). VCF-style: chr17-63710794-C-T. GRCh37 (hg19) VCF-style: chr17-61788154-C-T.
Other names: c.280G>A, p.Val94Met (NM_001003786.3, NM_001363789.1, NM_153335.6); c.217G>A, p.Val73Met (NM_001003788.3, NM_001363790.1, NM_001363791.1); c.304G>A, p.Val102Met (NM_001165969.2, NM_001363787.1); c.259G>A, p.Val87Met (NM_001165970.2); c.367G>A, p.Val123Met (NM_001363786.1); c.391G>A, p.Val131Met (NM_001363788.1); short protein forms V87M, V102M, V94M, V123M, V131M, V73M.
Identifiers: ClinVar variation 650800 (VCV000650800.6), dbSNP rs756995943, ClinGen allele CA8703403.